The following is an entry in ClinVar:

NM_021930.6(RINT1):c.2141C>G (p.Pro714Arg)

Genes: EFCAB10 (EF-hand calcium binding domain 10; minus strand), RINT1 (RAD50 interactor 1; plus strand). Cytogenetic location: 7q22.3.
Variant type: single nucleotide variant.
Coding change: c.2141C>G on transcript NM_021930.6 (MANE Select); coding-DNA position 2141, C replaced by G.
Protein change: p.Pro714Arg; replaces proline 714 with arginine.
Molecular consequence: missense variant. On other transcripts: non-coding transcript variant (1), intron variant (2).
Genome position (GRCh38, 1-based): chr7:105,565,603, C>G. VCF-style: chr7-105565603-C-G. GRCh37 (hg19) VCF-style: chr7-105206050-C-G.
Other names: c.396G>C, p.Lys132Asn (NM_001355530.2); c.1907C>G, p.Pro636Arg (NM_001346599.2); c.1118C>G, p.Pro373Arg (NM_001346600.2, NM_001346603.2); c.1217C>G, p.Pro406Arg (NM_001346601.2); c.360-156G>C (NM_001355531.2); c.384-156G>C (NM_001355526.2); short protein forms K132N, P373R, P636R, P406R, P714R.
Identifiers: ClinVar variation 1367035 (VCV001367035.9), dbSNP rs1433678307, ClinGen allele CA368815226.

ClinVar aggregate classification (germline): Uncertain significance. Review status: criteria provided, multiple submitters, no conflicts (2 of 4 stars). 2 submissions from 2 submitters: Uncertain significance (2). Last evaluated 2024-05-30.

Allele frequency attached by ClinVar (database versions not stated): gnomAD exomes below 0.00001.
gnomAD v4.1: 1 of 1,613,778 alleles (0.000062%); highest among the groups gnomAD compares: Non-Finnish European, 0.000085%; no homozygotes.

Submissions (2):

Ambry Genetics
Classification: Uncertain significance. Last evaluated: 2024-05-30. Review status: criteria provided, single submitter. Criteria: Ambry Variant Classification Scheme 2023. Collection method: clinical testing. Allele origin: germline.
Comment: The p.P714R variant (also known as c.2141C>G), located in coding exon 14 of the RINT1 gene, results from a C to G substitution at nucleotide position 2141. The proline at codon 714 is replaced by arginine, an amino acid with dissimilar properties. This amino acid position is conserved. In addition, this alteration is predicted to be deleterious by in silico analysis. Based on the available evidence, the clinical significance of this variant remains unclear.

Labcorp Genetics (formerly Invitae), Labcorp
Classification: Uncertain significance. Last evaluated: 2020-11-10. Review status: criteria provided, single submitter. Criteria: Invitae Variant Classification Sherloc (09022015). Collection method: clinical testing. Allele origin: germline.
Comment: Algorithms developed to predict the effect of missense changes on protein structure and function are either unavailable or do not agree on the potential impact of this missense change (SIFT: "Deleterious"; PolyPhen-2: "Probably Damaging"; Align-GVGD: "Class C0"). This variant has not been reported in the literature in individuals with RINT1-related conditions. This variant is not present in population databases (ExAC no frequency). This sequence change replaces proline with arginine at codon 714 of the RINT1 protein (p.Pro714Arg). The proline residue is highly conserved and there is a moderate physicochemical difference between proline and arginine. In summary, the available evidence is currently insufficient to determine the role of this variant in disease. Therefore, it has been classified as a Variant of Uncertain Significance.